The following is an entry in ClinVar:

NM_003072.5(SMARCA4):c.1022C>T (p.Pro341Leu)

Gene: SMARCA4 (SWI/SNF related BAF chromatin remodeling complex subunit ATPase 4; plus strand). Cytogenetic location: 19p13.2.
Variant type: single nucleotide variant.
Coding change: c.1022C>T on transcript NM_003072.5 (MANE Select); coding-DNA position 1022, C replaced by T.
Protein change: p.Pro341Leu; replaces proline 341 with leucine.
Molecular consequence: missense variant. On other transcripts: non-coding transcript variant (1).
Genome position (GRCh38, 1-based): chr19:10,987,828, C>T. VCF-style: chr19-10987828-C-T. GRCh37 (hg19) VCF-style: chr19-11098504-C-T.
Other names: c.1022C>T, p.Pro341Leu (NM_001128844.3, NM_001128845.2, NM_001128846.2 and 4 more transcripts); short protein forms P341L.
Identifiers: ClinVar variation 854786 (VCV000854786.11), dbSNP rs2086196449, ClinGen allele CA404058650.
Genomic context (GRCh38, chr19:10,987,828, plus strand): 5'-CCGCCTCGCCCGTGATGCCACCGCAGACCCAGTCCCCCGGGCAGCCGGCCCAGCCCGCGC[C>T]CATGGTGCCACTGCACCAGAAGCAGAGCCGCATCACCCCCATCCAGAAGCCGCGGGGCCT-3'
Protein context (NP_003063.2, residues 331-351): QSPGQPAQPA[Pro341Leu]MVPLHQKQSR

ClinVar aggregate classification (germline): Uncertain significance. Review status: criteria provided, multiple submitters, no conflicts (2 of 4 stars). 3 submissions from 3 submitters: Uncertain significance (3). Last evaluated 2024-08-15.

Conditions:
SMARCA4-related disorder. Also called: SMARCA4-related condition.
Hereditary cancer-predisposing syndrome. Also called: Neoplastic Syndromes, Hereditary; Hereditary Cancer Syndrome; Tumor predisposition; Hereditary neoplastic syndrome. Identifiers: Orphanet 140162, MedGen C0027672, MeSH D009386, MONDO:0015356.
Rhabdoid tumor predisposition syndrome 2 (RTPS2). Identifiers: Orphanet 231108, Orphanet 69077, MedGen C2750074, MONDO:0013224, OMIM 613325.

Submissions (3):

Ambry Genetics
Classification: Uncertain significance for Hereditary cancer-predisposing syndrome. Last evaluated: 2024-08-15. Review status: criteria provided, single submitter. Criteria: Ambry Variant Classification Scheme 2023. Collection method: clinical testing. Allele origin: germline.
Comment: The p.P341L variant (also known as c.1022C>T), located in coding exon 5 of the SMARCA4 gene, results from a C to T substitution at nucleotide position 1022. The proline at codon 341 is replaced by leucine, an amino acid with similar properties. This amino acid position is conserved. In addition, the in silico prediction for this alteration is inconclusive. Based on the available evidence, the clinical significance of this variant remains unclear.

PreventionGenetics, part of Exact Sciences
Classification: Uncertain significance for SMARCA4-related condition. Last evaluated: 2023-04-17. Review status: criteria provided, single submitter. Criteria: ACMG Guidelines, 2015. Collection method: clinical testing. Allele origin: germline.
Comment: The SMARCA4 c.1022C>T variant is predicted to result in the amino acid substitution p.Pro341Leu. To our knowledge, this variant has not been reported in the literature or in a large population database, indicating this variant is rare. It is interpreted as uncertain significance in ClinVar. At this time, the clinical significance of this variant is uncertain due to the absence of conclusive functional and genetic evidence.

Labcorp Genetics (formerly Invitae), Labcorp
Classification: Uncertain significance for Rhabdoid tumor predisposition syndrome 2. Last evaluated: 2022-12-24. Review status: criteria provided, single submitter. Criteria: Invitae Variant Classification Sherloc (09022015). Collection method: clinical testing. Allele origin: germline.
Comment: In summary, the available evidence is currently insufficient to determine the role of this variant in disease. Therefore, it has been classified as a Variant of Uncertain Significance. Advanced modeling of protein sequence and biophysical properties (such as structural, functional, and spatial information, amino acid conservation, physicochemical variation, residue mobility, and thermodynamic stability) has been performed at Invitae for this missense variant, however the output from this modeling did not meet the statistical confidence thresholds required to predict the impact of this variant on SMARCA4 protein function. ClinVar contains an entry for this variant (Variation ID: 854786). This variant has not been reported in the literature in individuals affected with SMARCA4-related conditions. This variant is not present in population databases (gnomAD no frequency). This sequence change replaces proline, which is neutral and non-polar, with leucine, which is neutral and non-polar, at codon 341 of the SMARCA4 protein (p.Pro341Leu).